The following is an entry in ClinVar:

NM_001365951.3(KIF1B):c.1613A>G (p.Asn538Ser)

Gene: KIF1B (kinesin family member 1B; plus strand). Cytogenetic location: 1p36.22.
Variant type: single nucleotide variant.
Coding change: c.1613A>G on transcript NM_001365951.3 (MANE Select); coding-DNA position 1613, A replaced by G.
Protein change: p.Asn538Ser; replaces asparagine 538 with serine.
Molecular consequence: missense variant.
Genome position (GRCh38, 1-based): chr1:10,295,108, A>G. VCF-style: chr1-10295108-A-G. GRCh37 (hg19) VCF-style: chr1-10355166-A-G.
Other names: c.1613A>G, p.Asn538Ser (NM_001365952.1); c.1475A>G, p.Asn492Ser (NM_001365953.1, NM_015074.3, NM_183416.4); short protein forms N538S, N492S.
Identifiers: ClinVar variation 4092304 (VCV004092304.1).

ClinVar aggregate classification (germline): Uncertain significance (1 of 4 stars; one submission).

gnomAD v4.1: 5 of 1,607,920 alleles (0.00031%); highest among the groups gnomAD compares: Non-Finnish European, 0.00034%; no homozygotes.

Submission:

Ambry Genetics
Classification: Uncertain significance. Last evaluated: 2025-06-18. Review status: criteria provided, single submitter. Criteria: Ambry Variant Classification Scheme 2023. Collection method: clinical testing. Allele origin: germline.
Comment: The p.N492S variant (also known as c.1475A>G), located in coding exon 15 of the KIF1B gene, results from an A to G substitution at nucleotide position 1475. The asparagine at codon 492 is replaced by serine, an amino acid with highly similar properties. This amino acid position is highly conserved in available vertebrate species. In addition, this alteration is predicted to be tolerated by in silico analysis. The evidence for this gene-disease relationship is limited; therefore, the clinical significance of this alteration is unclear.